The following is an entry in ClinVar:

NM_001853.4(COL9A3):c.1979_1980del (p.Gly660fs)

Gene: COL9A3 (collagen type IX alpha 3 chain; plus strand). Cytogenetic location: 20q13.33.
Variant type: Deletion.
Coding change: c.1979_1980del on transcript NM_001853.4 (MANE Select); coding-DNA positions 1979 to 1980, 2 bases deleted (GG; older notation c.1979_1980delGG).
Protein change: p.Gly660fs; shifts the reading frame from glycine 660.
Molecular consequence: frameshift variant.
Genome position (GRCh38, 1-based): chr20:62,840,656-62,840,657, GG deleted; deleting any 2 consecutive bases within chr20:62,840,654-62,840,657 gives the same sequence; the c. name uses the placement nearest the transcript's 3' end. VCF-style (leftmost placement, unchanged base first): chr20-62840653-CGG-C. GRCh37 (hg19) VCF-style: chr20-61472005-CGG-C.
Other names: short protein forms G660fs.
Identifiers: ClinVar variation 2130035 (VCV002130035.4), dbSNP rs2516100388, ClinGen allele CA2580098489.

ClinVar aggregate classification (germline): Uncertain significance (1 of 4 stars; one submission).

Submission:

Labcorp Genetics (formerly Invitae), Labcorp
Classification: Uncertain significance. Last evaluated: 2022-04-24. Review status: criteria provided, single submitter. Criteria: Invitae Variant Classification Sherloc (09022015). Collection method: clinical testing. Allele origin: germline.
Comment: In summary, the available evidence is currently insufficient to determine the role of this variant in disease. Therefore, it has been classified as a Variant of Uncertain Significance. Experimental studies and prediction algorithms are not available or were not evaluated, and the functional significance of this variant is currently unknown. This variant has not been reported in the literature in individuals affected with COL9A3-related conditions. This variant is not present in population databases (gnomAD no frequency). This sequence change results in a frameshift in the COL9A3 gene (p.Gly660Aspfs*92). While this is not anticipated to result in nonsense mediated decay, it is expected to disrupt the last 25 amino acid(s) of the COL9A3 protein and extend the protein by 66 additional amino acid residues.